The following is an entry in ClinVar:

NM_020774.4(MIB1):c.2774A>C (p.Asp925Ala)

Gene: MIB1 (MIB E3 ubiquitin protein ligase 1; plus strand). Cytogenetic location: 18q11.2.
Variant type: single nucleotide variant.
Coding change: c.2774A>C on transcript NM_020774.4 (MANE Select); coding-DNA position 2774, A replaced by C.
Protein change: p.Asp925Ala; replaces aspartic acid 925 with alanine.
Molecular consequence: missense variant.
Genome position (GRCh38, 1-based): chr18:21,857,238, A>C. VCF-style: chr18-21857238-A-C. GRCh37 (hg19) VCF-style: chr18-19437199-A-C.
Other names: short protein forms D925A.
Identifiers: ClinVar variation 2448813 (VCV002448813.2), dbSNP rs764114928, ClinGen allele CA8908688.

ClinVar aggregate classification (germline): Uncertain significance (1 of 4 stars; one submission).

Conditions:
Inborn genetic diseases. Identifiers: MedGen C0950123, MeSH D030342.

gnomAD v4.1: 3 of 1,609,022 alleles (0.00019%); highest among the groups gnomAD compares: African/African-American, 0.004%; no homozygotes.

Submission:

Ambry Genetics
Classification: Uncertain significance for Inborn genetic diseases. Last evaluated: 2023-01-01. Review status: criteria provided, single submitter. Criteria: Ambry Variant Classification Scheme 2023. Collection method: clinical testing. Allele origin: germline.
Comment: The p.D925A variant (also known as c.2774A>C), located in coding exon 19 of the MIB1 gene, results from an A to C substitution at nucleotide position 2774. The aspartic acid at codon 925 is replaced by alanine, an amino acid with dissimilar properties. This amino acid position is conserved. In addition, the in silico prediction for this alteration is inconclusive. Since supporting evidence is limited at this time, the clinical significance of this alteration remains unclear.